The following is an entry in ClinVar:

ClinVar aggregate classification (germline): Uncertain significance. Review status: criteria provided, multiple submitters, no conflicts (2 of 4 stars). 3 submissions from 3 submitters: Uncertain significance (3). Last evaluated 2025-08-18.

Conditions:
Familial adenomatous polyposis 1 (FAP1). Also called: POLYPOSIS, ADENOMATOUS INTESTINAL; FAMILIAL ADENOMATOUS POLYPOSIS 1, ATTENUATED. Identifiers: MedGen C2713442, MONDO:0021056, OMIM 175100. Disease mechanism: loss of function.
Classic or attenuated familial adenomatous polyposis. Identifiers: MedGen CN372698, MONDO:0021057.
Hereditary cancer-predisposing syndrome. Also called: Neoplastic Syndromes, Hereditary; Tumor predisposition; Hereditary neoplastic syndrome; Hereditary Cancer Syndrome. Identifiers: Orphanet 140162, MedGen C0027672, MeSH D009386, MONDO:0015356.

Allele frequency attached by ClinVar (database versions not stated): gnomAD exomes below 0.00001.
gnomAD v4.1: 1 of 1,614,232 alleles (0.000062%); highest among the groups gnomAD compares: Non-Finnish European, 0.000085%; no homozygotes.

Submissions (3):

Labcorp Genetics (formerly Invitae), Labcorp
Classification: Uncertain significance for Familial adenomatous polyposis 1. Last evaluated: 2025-08-18. Review status: criteria provided, single submitter. Criteria: Invitae Variant Classification Sherloc (09022015). Collection method: clinical testing. Allele origin: germline.
Comment: This sequence change replaces serine, which is neutral and polar, with arginine, which is basic and polar, at codon 1610 of the APC protein (p.Ser1610Arg). This variant is present in population databases (no rsID available, gnomAD 0.0009%). This variant has not been reported in the literature in individuals affected with APC-related conditions. ClinVar contains an entry for this variant (Variation ID: 3073770). Invitae Evidence Modeling of protein sequence and biophysical properties (such as structural, functional, and spatial information, amino acid conservation, physicochemical variation, residue mobility, and thermodynamic stability) indicates that this missense variant is not expected to disrupt APC protein function with a negative predictive value of 95%. In summary, the available evidence is currently insufficient to determine the role of this variant in disease. Therefore, it has been classified as a Variant of Uncertain Significance.

All of Us Research Program, National Institutes of Health
Classification: Uncertain significance for Classic or attenuated familial adenomatous polyposis. Last evaluated: 2023-10-06. Review status: criteria provided, single submitter. Criteria: ACMG Guidelines, 2015. Collection method: clinical testing. Allele origin: germline. Inheritance: Autosomal dominant inheritance. Observed: 1 variant allele, 1 heterozygote.
Comment: This missense variant replaces serine with arginine at codon 1610 of the APC protein. Computational prediction suggests that this variant may not impact protein structure and function (internally defined REVEL score threshold <= 0.5, PMID: 27666373). To our knowledge, functional studies have not been reported for this variant. This variant has not been reported in individuals affected with APC-related disorders in the literature. This variant has been identified in 1/251314 chromosomes in the general population by the Genome Aggregation Database (gnomAD). The available evidence is insufficient to determine the role of this variant in disease conclusively. Therefore, this variant is classified as a Variant of Uncertain Significance.

This study involves interpretation of variants in research participants for the purpose of population health screening. Participant phenotype was not available at the time of variant classification. Additional details can be found in publication PMID: 35346344, PMCID: PMC8962531

Color Diagnostics, LLC DBA Color Health
Classification: Uncertain significance for Hereditary cancer-predisposing syndrome. Last evaluated: 2023-09-27. Review status: criteria provided, single submitter. Criteria: ACMG Guidelines, 2015. Collection method: clinical testing. Allele origin: germline.
Comment: This missense variant replaces serine with arginine at codon 1610 of the APC protein. Computational prediction suggests that this variant may not impact protein structure and function. To our knowledge, functional studies have not been reported for this variant. This variant has not been reported in individuals affected with APC-related disorders in the literature. This variant has been identified in 1/251314 chromosomes in the general population by the Genome Aggregation Database (gnomAD). The available evidence is insufficient to determine the role of this variant in disease conclusively. Therefore, this variant is classified as a Variant of Uncertain Significance.

NM_000038.6(APC):c.4828A>C (p.Ser1610Arg)

Gene: APC (APC regulator of Wnt signaling pathway; plus strand). Cytogenetic location: 5q22.2.
Variant type: single nucleotide variant.
Coding change: c.4828A>C on transcript NM_000038.6 (MANE Select); coding-DNA position 4828, A replaced by C.
Protein change: p.Ser1610Arg; replaces serine 1610 with arginine.
Molecular consequence: missense variant. On other transcripts: non-coding transcript variant (2).
Genome position (GRCh38, 1-based): chr5:112,840,422, A>C. VCF-style: chr5-112840422-A-C. GRCh37 (hg19) VCF-style: chr5-112176119-A-C.
Other names: c.3676A>C, p.Ser1226Arg (NM_001407471.1, NM_001407472.1); c.4828A>C, p.Ser1610Arg (NM_001127510.3, NM_001354895.2, NM_001407450.1); c.4774A>C, p.Ser1592Arg (NM_001127511.3); c.4882A>C, p.Ser1628Arg (NM_001354896.2, NM_001407447.1, NM_001407448.1 and 1 more transcripts); c.4858A>C, p.Ser1620Arg (NM_001354897.2); c.4753A>C, p.Ser1585Arg (NM_001354898.2); c.4744A>C, p.Ser1582Arg (NM_001354899.2); c.4705A>C, p.Ser1569Arg (NM_001354900.2); and 11 more; short protein forms S1226R, S1327R, S1450R, S1481R, S1484R, S1509R, S1519R, S1527R.
Identifiers: ClinVar variation 3073770 (VCV003073770.3), dbSNP rs587781512, ClinGen allele CA16031909.